The following is an entry in ClinVar:

NM_004366.6(CLCN2):c.508A>G (p.Ile170Val)

Gene: CLCN2 (chloride voltage-gated channel 2; minus strand). Cytogenetic location: 3q27.1.
Variant type: single nucleotide variant.
Coding change: c.508A>G on transcript NM_004366.6 (MANE Select); coding-DNA position 508, A replaced by G.
Protein change: p.Ile170Val; replaces isoleucine 170 with valine.
Molecular consequence: missense variant.
Genome position (GRCh38, 1-based): chr3:184,358,069, T>C on the plus strand (A>G on the coding strand, the complement: CLCN2 is on the minus strand). VCF-style: chr3-184358069-T-C. GRCh37 (hg19) VCF-style: chr3-184075857-T-C.
Other names: c.508A>G, p.Ile170Val (NM_001171087.3, NM_001171089.3); c.376A>G, p.Ile126Val (NM_001171088.3); short protein forms I170V, I126V.
Identifiers: ClinVar variation 2081682 (VCV002081682.5), dbSNP rs748622894, ClinGen allele CA2734470.

ClinVar aggregate classification (germline): Uncertain significance. Review status: criteria provided, multiple submitters, no conflicts (2 of 4 stars). 2 submissions from 2 submitters: Uncertain significance (2). Last evaluated 2025-06-30.

Allele frequency attached by ClinVar (database versions not stated): TOPMed 0.00001; ExAC 0.00002; gnomAD 0.00002; gnomAD exomes 0.00004.
gnomAD v4.1: 54 of 1,614,034 alleles (0.0033%); highest among the groups gnomAD compares: Non-Finnish European, 0.0046%; no homozygotes.

Submissions (2):

Labcorp Genetics (formerly Invitae), Labcorp
Classification: Uncertain significance. Last evaluated: 2025-06-30. Review status: criteria provided, single submitter. Criteria: Invitae Variant Classification Sherloc (09022015). Collection method: clinical testing. Allele origin: germline.
Comment: This sequence change replaces isoleucine, which is neutral and non-polar, with valine, which is neutral and non-polar, at codon 170 of the CLCN2 protein (p.Ile170Val). This variant is present in population databases (rs748622894, gnomAD 0.004%). This variant has not been reported in the literature in individuals affected with CLCN2-related conditions. ClinVar contains an entry for this variant (Variation ID: 2081682). Invitae Evidence Modeling of protein sequence and biophysical properties (such as structural, functional, and spatial information, amino acid conservation, physicochemical variation, residue mobility, and thermodynamic stability) indicates that this missense variant is expected to disrupt CLCN2 protein function with a positive predictive value of 80%. In summary, the available evidence is currently insufficient to determine the role of this variant in disease. Therefore, it has been classified as a Variant of Uncertain Significance.

Blueprint Genetics
Classification: Uncertain significance. Last evaluated: 2024-09-06. Review status: criteria provided, single submitter. Criteria: ACMG Guidelines, 2015. Collection method: clinical testing. Allele origin: germline.